The following is an entry in ClinVar:

ClinVar aggregate classification (germline): Benign. Review status: criteria provided, multiple submitters, no conflicts (2 of 4 stars). 3 submissions from 3 submitters: Benign (2). 1 of the submissions does not count toward it. Last evaluated 2019-12-31.

Conditions:
FRMD4A-related disorder. Also called: FRMD4A-related condition.

Allele frequency attached by ClinVar (database versions not stated): gnomAD 0.01268 and 0.01169; 1000 Genomes Project 0.01358; gnomAD exomes 0.00317; ExAC 0.00395; ESP Exome Variant Server 0.01322; TOPMed 0.01390; 1000 Genomes Project 30x 0.01421.
gnomAD v4.1: 3,360 of 1,481,866 alleles (0.23%); highest among the groups gnomAD compares: African/African-American, 3.9%; 59 homozygotes.

Submissions (3):

Labcorp Genetics (formerly Invitae), Labcorp
Classification: Benign. Last evaluated: 2019-12-31. Review status: criteria provided, single submitter. Criteria: Invitae Variant Classification Sherloc (09022015). Collection method: clinical testing. Allele origin: germline.

Breakthrough Genomics
Classification: Benign. Review status: criteria provided, single submitter. Criteria: ACMG Guidelines, 2015. Collection method: not provided. Allele origin: germline. Inheritance: Autosomal recessive inheritance. Affected: yes.

PreventionGenetics, part of Exact Sciences
Classification: Benign for FRMD4A-related condition. Last evaluated: 2020-01-24. Review status: no assertion criteria provided. Collection method: clinical testing. Allele origin: germline. Not counted in ClinVar's aggregate classification.
Comment: This variant is classified as benign based on ACMG/AMP sequence variant interpretation guidelines (Richards et al. 2015 PMID: 25741868, with internal and published modifications).

NM_018027.5(FRMD4A):c.363C>T (p.Asn121=)

Gene: FRMD4A (FERM domain containing 4A; minus strand). Cytogenetic location: 10p13.
Variant type: single nucleotide variant.
Coding change: c.363C>T on transcript NM_018027.5 (MANE Select); coding-DNA position 363, C replaced by T.
Protein change: p.Asn121=; no amino-acid change (asparagine 121 retained).
Molecular consequence: synonymous variant.
Genome position (GRCh38, 1-based): chr10:13,782,943, G>A on the plus strand (C>T on the coding strand, the complement: FRMD4A is on the minus strand). VCF-style: chr10-13782943-G-A. GRCh37 (hg19) VCF-style: chr10-13824943-G-A.
Other names: c.411C>T, p.Asn137= (NM_001318336.2); c.462C>T, p.Asn154= (NM_001318337.2).
Identifiers: ClinVar variation 780846 (VCV000780846.7), dbSNP rs10160188, ClinGen allele CA5414790.